The following is an entry in ClinVar:

NM_000038.6(APC):c.3953_3956dup (p.Val1320fs)

Gene: APC (APC regulator of Wnt signaling pathway; plus strand). Cytogenetic location: 5q22.2.
Variant type: Duplication.
Coding change: c.3953_3956dup on transcript NM_000038.6 (MANE Select); coding-DNA positions 3953 to 3956, 4 bases duplicated (ATCC; older notation c.3953_3956dupATCC).
Protein change: p.Val1320fs; shifts the reading frame from valine 1320.
Molecular consequence: frameshift variant.
Genome position (GRCh38, 1-based): chr5:112,839,547-112,839,550, ATCC duplicated. VCF-style (leftmost placement, unchanged base first): chr5-112839546-G-GATCC. GRCh37 (hg19) VCF-style: chr5-112175243-G-GATCC.
Other names: c.3953_3956dup, p.Val1320fs (NM_001127510.3, NM_001354895.2); c.3899_3902dup, p.Val1302fs (NM_001127511.3); c.4007_4010dup, p.Val1338fs (NM_001354896.2); c.3983_3986dup, p.Val1330fs (NM_001354897.2); c.3878_3881dup, p.Val1295fs (NM_001354898.2); c.3869_3872dup, p.Val1292fs (NM_001354899.2); c.3830_3833dup, p.Val1279fs (NM_001354900.2); c.3776_3779dup, p.Val1261fs (NM_001354901.2); and 5 more; short protein forms V1037fs, V1160fs, V1194fs, V1219fs, V1229fs, V1261fs, V1279fs, V1292fs.
Identifiers: ClinVar variation 1072720 (VCV001072720.10), dbSNP rs2149902766, ClinGen allele CA2499217482.
Genomic context (GRCh38, chr5:112,839,546, plus strand): 5'-TCTGCTAATACCCTGCAAATAGCAGAAATAAAAGAAAAGATTGGAACTAGGTCAGCTGAA[G>GATCC]ATCCTGTGAGCGAAGTTCCAGCAGTGTCACAGCACCCTAGAACCAAATCCAGCAGACTGC-3'

ClinVar aggregate classification (germline): Pathogenic (1 of 4 stars; one submission).

Conditions:
Familial adenomatous polyposis 1 (FAP1). Also called: POLYPOSIS, ADENOMATOUS INTESTINAL; FAMILIAL ADENOMATOUS POLYPOSIS 1, ATTENUATED. Identifiers: MedGen C2713442, MONDO:0021056, OMIM 175100. Disease mechanism: loss of function.

Submission:

Labcorp Genetics (formerly Invitae), Labcorp
Classification: Pathogenic for Familial adenomatous polyposis 1. Last evaluated: 2018-03-24. Review status: criteria provided, single submitter. Criteria: Invitae Variant Classification Sherloc (09022015). Collection method: clinical testing. Allele origin: germline.
Comment: For these reasons, this variant has been classified as Pathogenic. This variant removes the basic domain, the EB1 binding site, and the HDLG binding site, which mediate interactions with the cytoskeleton (PMID: 15311282, 17293347). Other truncations downstream of this variant, p.Asp1942Glufs*27 and p.Tyr2645Lysfs*14, have been determined to be pathogenic (PMID: 1316610, 8381579, 9824584, 22135120, 15108286, 11001924). While functional studies have not been performed to directly test the effect of this variant on APC protein function, these observations suggest that deletion of the C-terminal portion of the APC protein is causative of disease. This variant has not been reported in the literature in individuals with APC-related disease. This variant is not present in population databases (ExAC no frequency). This sequence change results in a premature translational stop signal in the APC gene (p.Val1320Serfs*13). While this is not anticipated to result in nonsense mediated decay, it is expected to disrupt the last 1524 amino acids of the APC protein.

Literature cited by the submitters: PubMed 15311282; PubMed 17293347; PubMed 1316610; PubMed 8381579; PubMed 9824584; PubMed 22135120; PubMed 15108286; PubMed 11001924.